The following is an entry in ClinVar:

NM_004560.4(ROR2):c.1323G>A (p.Arg441=)

Gene: ROR2 (ROR family WNT receptor 2; minus strand). Cytogenetic location: 9q22.31.
Variant type: single nucleotide variant.
Coding change: c.1323G>A on transcript NM_004560.4 (MANE Select); coding-DNA position 1323, G replaced by A.
Protein change: p.Arg441=; no amino-acid change (arginine 441 retained).
Molecular consequence: synonymous variant. On other transcripts: missense variant (1).
Genome position (GRCh38, 1-based): chr9:91,726,604, C>T on the plus strand (G>A on the coding strand, the complement: ROR2 is on the minus strand). VCF-style: chr9-91726604-C-T. GRCh37 (hg19) VCF-style: chr9-94488886-C-T.
Other names: c.1289G>A, p.Gly430Asp (NM_001318204.2); c.1289G>A (NM_001318204.1); short protein forms G430D.
Identifiers: ClinVar variation 1652351 (VCV001652351.10), dbSNP rs764898597, ClinGen allele CA5120724.
Genomic context (GRCh38, chr9:91,726,604, plus strand): 5'-TTTGTGCTGGTTAATGAGGGGCATTTCCATGTCTTGGCTGGGCGAGGCCATCAGCTGTCG[C>T]CGCTGCGGTGTGGACGCAGATGCCTTCTGCTTATTCCGGCACATGCAAACCAAGAAGAAA-3'
Protein context (NP_004551.2, residues 431-451): KQKASASTPQ[Arg441=]RQLMASPSQD

ClinVar aggregate classification (germline): Likely benign. Review status: criteria provided, single submitter (1 of 4 stars). 2 submissions from 2 submitters: Likely benign (1). 1 of the submissions does not count toward it. Last evaluated 2020-11-16.

Conditions:
ROR2-related disorder. Also called: ROR2-related disorders; ROR2-related condition.

Allele frequency attached by ClinVar (database versions not stated): gnomAD exomes below 0.00001 and 0.00001; ExAC 0.00001.
gnomAD v4.1: 4 of 1,613,810 alleles (0.00025%); highest among the groups gnomAD compares: South Asian, 0.0044%; no homozygotes.

Submissions (2):

Labcorp Genetics (formerly Invitae), Labcorp
Classification: Likely benign. Last evaluated: 2020-11-16. Review status: criteria provided, single submitter. Criteria: Invitae Variant Classification Sherloc (09022015). Collection method: clinical testing. Allele origin: germline.

PreventionGenetics, part of Exact Sciences
Classification: Likely benign for ROR2-related condition. Last evaluated: 2019-05-24. Review status: no assertion criteria provided. Collection method: clinical testing. Allele origin: germline. Not counted in ClinVar's aggregate classification.
Comment: This variant is classified as likely benign based on ACMG/AMP sequence variant interpretation guidelines (Richards et al. 2015 PMID: 25741868, with internal and published modifications).